The following is an entry in ClinVar:

NM_183357.3(ADCY5):c.844C>T (p.Leu282Phe)

Gene: ADCY5 (adenylate cyclase 5; minus strand). Cytogenetic location: 3q21.1.
Variant type: single nucleotide variant.
Coding change: c.844C>T on transcript NM_183357.3 (MANE Select); coding-DNA position 844, C replaced by T.
Protein change: p.Leu282Phe; replaces leucine 282 with phenylalanine.
Molecular consequence: missense variant.
Genome position (GRCh38, 1-based): chr3:123,447,702, G>A on the plus strand (C>T on the coding strand, the complement: ADCY5 is on the minus strand). VCF-style: chr3-123447702-G-A. GRCh37 (hg19) VCF-style: chr3-123166549-G-A.
Other names: c.844C>T, p.Leu282Phe (NM_001378259.1); short protein forms L282F.
Identifiers: ClinVar variation 4804107 (VCV004804107.1).
Genomic context (GRCh38, chr3:123,447,702, plus strand): 5'-AGGCCAGGCCCATGTGGTCCTGGTGGAAGGCGGCGCGGTTGCAAAGCACAGCCATGATGA[G>A]GATCACGCCGACGGCGGCCGCCAGCACGGCCAGGTAGGGCAGCTGGAGCGGGGGCCGCGC-3'
Protein context (NP_899200.1, residues 272-292): AVLAAAVGVI[Leu282Phe]IMAVLCNRAA

ClinVar aggregate classification (germline): Uncertain significance (1 of 4 stars; one submission).

Submission:

Labcorp Genetics (formerly Invitae), Labcorp
Classification: Uncertain significance. Last evaluated: 2025-08-25. Review status: criteria provided, single submitter. Criteria: Invitae Variant Classification Sherloc (09022015). Collection method: clinical testing. Allele origin: germline.
Comment: This sequence change replaces leucine, which is neutral and non-polar, with phenylalanine, which is neutral and non-polar, at codon 282 of the ADCY5 protein (p.Leu282Phe). This variant is not present in population databases (gnomAD no frequency). This variant has not been reported in the literature in individuals affected with ADCY5-related conditions. Invitae Evidence Modeling of protein sequence and biophysical properties (such as structural, functional, and spatial information, amino acid conservation, physicochemical variation, residue mobility, and thermodynamic stability) has been performed for this missense variant. However, the output from this modeling did not meet the statistical confidence thresholds required to predict the impact of this variant on ADCY5 protein function. In summary, the available evidence is currently insufficient to determine the role of this variant in disease. Therefore, it has been classified as a Variant of Uncertain Significance.